The following is an entry in ClinVar:

NM_000551.4(VHL):c.201C>G (p.Asn67Lys)

Gene: VHL (von Hippel-Lindau tumor suppressor; plus strand). Cytogenetic location: 3p25.3.
Variant type: single nucleotide variant.
Coding change: c.201C>G on transcript NM_000551.4 (MANE Select); coding-DNA position 201, C replaced by G.
Protein change: p.Asn67Lys; replaces asparagine 67 with lysine.
Molecular consequence: missense variant.
Genome position (GRCh38, 1-based): chr3:10,142,048, C>G. VCF-style: chr3-10142048-C-G. GRCh37 (hg19) VCF-style: chr3-10183732-C-G.
Other names: c.201C>G, p.Asn67Lys (NM_001354723.2, NM_198156.3); short protein forms N67K.
Identifiers: ClinVar variation 1784514 (VCV001784514.9), dbSNP rs769658318, ClinGen allele CA039757.
Genomic context (GRCh38, chr3:10,142,048, plus strand): 5'-ACTGGGCGCCGAGGAGGAGATGGAGGCCGGGCGGCCGCGGCCCGTGCTGCGCTCGGTGAA[C>G]TCGCGCGAGCCCTCCCAGGTCATCTTCTGCAATCGCAGTCCGCGCGTCGTGCTGCCCGTA-3'
Protein context (NP_000542.1, residues 57-77): GRPRPVLRSV[Asn67Lys]SREPSQVIFC

ClinVar aggregate classification (germline): Conflicting classifications of pathogenicity. Review status: criteria provided, conflicting classifications (1 of 4 stars). 3 submissions from 3 submitters: Uncertain significance (2); Likely benign (1). Last evaluated 2025-09-05.

Conditions:
Chuvash polycythemia. Also called: POLYCYTHEMIA, VHL-DEPENDENT. Identifiers: Orphanet 238557, MedGen C1837915, MONDO:0009892, OMIM 263400.
Von Hippel-Lindau syndrome (VHLS). Also called: Von Hippel-Lindau; von Hippel–Lindau syndrome; VHL syndrome. Identifiers: Orphanet 892, MedGen C0019562, MONDO:0008667, OMIM 193300. Disease mechanism: loss of function.
Hereditary cancer-predisposing syndrome. Also called: Tumor predisposition; Neoplastic Syndromes, Hereditary; Hereditary Cancer Syndrome; Hereditary neoplastic syndrome. Identifiers: Orphanet 140162, MedGen C0027672, MeSH D009386, MONDO:0015356.

Allele frequency attached by ClinVar (database versions not stated): ExAC 0.00002.
gnomAD v4.1: 4 of 1,604,748 alleles (0.00025%); highest among the groups gnomAD compares: South Asian, 0.0011%; no homozygotes.

Submissions (3):

Color Diagnostics, LLC DBA Color Health
Classification: Uncertain significance for Von Hippel-Lindau syndrome. Last evaluated: 2025-09-05. Review status: criteria provided, single submitter. Criteria: ACMG Guidelines, 2015. Collection method: clinical testing. Allele origin: germline.
Comment: This missense variant replaces asparagine with lysine at codon 67 of the VHL protein. Computational prediction is inconclusive regarding the impact of this variant on protein structure and function. A functional study has reported that this variant does not impact VHL in a haploid cell proliferation assay (PMID: 38969834). To our knowledge, this variant has not been reported in individuals affected with VHL-related disorders in the literature. This variant has been identified in 1/225758 chromosomes in the general population by the Genome Aggregation Database (gnomAD). The available evidence is insufficient to determine the role of this variant in disease conclusively. Therefore, this variant is classified as a Variant of Uncertain Significance.

Ambry Genetics
Classification: Likely benign for Hereditary cancer-predisposing syndrome. Last evaluated: 2025-05-27. Review status: criteria provided, single submitter. Criteria: Ambry Variant Classification Scheme 2023. Collection method: clinical testing. Allele origin: germline.

Labcorp Genetics (formerly Invitae), Labcorp
Classification: Uncertain significance for Von Hippel-Lindau syndrome; Chuvash polycythemia. Last evaluated: 2025-04-22. Review status: criteria provided, single submitter. Criteria: Invitae Variant Classification Sherloc (09022015). Collection method: clinical testing. Allele origin: germline.
Comment: This sequence change replaces asparagine, which is neutral and polar, with lysine, which is basic and polar, at codon 67 of the VHL protein (p.Asn67Lys). This variant is present in population databases (rs769658318, gnomAD 0.003%). This variant has not been reported in the literature in individuals affected with VHL-related conditions. ClinVar contains an entry for this variant (Variation ID: 1784514). Invitae Evidence Modeling of protein sequence and biophysical properties (such as structural, functional, and spatial information, amino acid conservation, physicochemical variation, residue mobility, and thermodynamic stability) indicates that this missense variant is expected to disrupt VHL protein function with a positive predictive value of 95%. In summary, the available evidence is currently insufficient to determine the role of this variant in disease. Therefore, it has been classified as a Variant of Uncertain Significance.

Literature cited by the submitters: PubMed 38969834 (cited by Color Diagnostics, LLC DBA Color Health and Ambry Genetics).